The following is an entry in ClinVar:

NM_017934.7(PHIP):c.5228G>A (p.Arg1743Gln)

Genes: IRAK1BP1 (interleukin 1 receptor associated kinase 1 binding protein 1; plus strand), PHIP (PHIP subunit of CUL4-Ring ligase complex; minus strand). Cytogenetic location: 6q14.1.
Variant type: single nucleotide variant.
Coding change: c.5228G>A on transcript NM_017934.7 (MANE Select); coding-DNA position 5228, G replaced by A.
Protein change: p.Arg1743Gln; replaces arginine 1743 with glutamine.
Molecular consequence: missense variant.
Genome position (GRCh38, 1-based): chr6:78,940,931, C>T on the plus strand (G>A on the coding strand, the complement: PHIP is on the minus strand). VCF-style: chr6-78940931-C-T. GRCh37 (hg19) VCF-style: chr6-79650648-C-T.
Other names: c.5228G>A (NM_017934.5); short protein forms R1743Q.
Identifiers: ClinVar variation 2635995 (VCV002635995.3), dbSNP rs763249406, ClinGen allele CA3899293.
Genomic context (GRCh38, chr6:78,940,931, plus strand): 5'-TCAGAGCCTTTGAGTTCTTCAAACTCTTCTTCCTCATCTATAGGATCATCTATCTTTTTT[C>T]GGTTACTTCTCCTTAACACTTTGACACTTGCAGGGACTAGGAGATCTGCATCTAATTTTT-3'
Protein context (NP_060404.4, residues 1733-1753): ASVKVLRRSN[Arg1743Gln]KKIDDPIDEE

ClinVar aggregate classification (germline): Uncertain significance. Review status: criteria provided, multiple submitters, no conflicts (2 of 4 stars). 2 submissions from 2 submitters: Uncertain significance (2). Last evaluated 2025-07-15.

Conditions:
PHIP-related disorder. Also called: PHIP-related condition; PHIP-related disorders.
Inborn genetic diseases. Identifiers: MedGen C0950123, MeSH D030342.

Allele frequency attached by ClinVar (database versions not stated): ExAC 0.00001.
gnomAD v4.1: 35 of 1,613,672 alleles (0.0022%); highest among the groups gnomAD compares: Non-Finnish European, 0.0029%; no homozygotes.

Submissions (2):

Ambry Genetics
Classification: Uncertain significance for Inborn genetic diseases. Last evaluated: 2025-07-15. Review status: criteria provided, single submitter. Criteria: Ambry Variant Classification Scheme 2023. Collection method: clinical testing. Allele origin: germline.

PreventionGenetics, part of Exact Sciences
Classification: Uncertain significance for PHIP-related condition. Last evaluated: 2025-06-20. Review status: criteria provided, single submitter. Criteria: ACMG Guidelines, 2015. Collection method: clinical testing. Allele origin: germline.
Comment: The PHIP c.5228G>A variant is predicted to result in the amino acid substitution p.Arg1743Gln. To our knowledge, this variant has not been reported in the literature. This variant is reported in 0.0016% of alleles in individuals of European (Non-Finnish) descent in gnomAD. At this time, the clinical significance of this variant is uncertain due to the absence of conclusive functional and genetic evidence.